The following is an entry in ClinVar:

NM_006939.4(SOS2):c.360C>T (p.Tyr120=)

Gene: SOS2 (SOS Ras/Rho guanine nucleotide exchange factor 2; minus strand). Cytogenetic location: 14q21.3.
Variant type: single nucleotide variant.
Coding change: c.360C>T on transcript NM_006939.4 (MANE Select); coding-DNA position 360, C replaced by T.
Protein change: p.Tyr120=; no amino-acid change (tyrosine 120 retained).
Molecular consequence: synonymous variant.
Genome position (GRCh38, 1-based): chr14:50,199,841, G>A on the plus strand (C>T on the coding strand, the complement: SOS2 is on the minus strand). VCF-style: chr14-50199841-G-A. GRCh37 (hg19) VCF-style: chr14-50666559-G-A.
Identifiers: ClinVar variation 514510 (VCV000514510.7), dbSNP rs762044455, ClinGen allele CA7177535.

ClinVar aggregate classification (germline): Likely benign. Review status: criteria provided, multiple submitters, no conflicts (2 of 4 stars). 4 submissions from 4 submitters: Likely benign (4). Last evaluated 2024-10-17.

Conditions:
Cardiovascular phenotype. Identifiers: MedGen CN230736.
Noonan syndrome 9 (NS9). Identifiers: Orphanet 648, MedGen C4225282, MONDO:0014691, OMIM 616559.

Allele frequency attached by ClinVar (database versions not stated): gnomAD exomes below 0.00001 and 0.00001; ExAC 0.00001; gnomAD 0.00001; TOPMed 0.00001.
gnomAD v4.1: 5 of 1,574,884 alleles (0.00032%); highest among the groups gnomAD compares: Admixed American, 0.0071%; no homozygotes.

Submissions (4):

Labcorp Genetics (formerly Invitae), Labcorp
Classification: Likely benign for Noonan syndrome 9. Last evaluated: 2024-10-17. Review status: criteria provided, single submitter. Criteria: Invitae Variant Classification Sherloc (09022015). Collection method: clinical testing. Allele origin: germline.

Ambry Genetics
Classification: Likely benign for Cardiovascular phenotype. Last evaluated: 2022-09-26. Review status: criteria provided, single submitter. Criteria: Ambry Variant Classification Scheme 2023. Collection method: clinical testing. Allele origin: germline.

GeneDx
Classification: Likely benign. Last evaluated: 2018-01-05. Review status: criteria provided, single submitter. Criteria: GeneDx Variant Classification (06012015). Collection method: clinical testing. Allele origin: germline. Affected: yes.
Comment: This variant is considered likely benign or benign based on one or more of the following criteria: it is a conservative change, it occurs at a poorly conserved position in the protein, it is predicted to be benign by multiple in silico algorithms, and/or has population frequency not consistent with disease.

Genome-Nilou Lab
Classification: Likely benign for Noonan syndrome 9. Review status: criteria provided, single submitter. Criteria: ACMG Guidelines, 2015. Collection method: clinical testing. Allele origin: germline.